The following is an entry in ClinVar:

NM_001004356.3(FGFRL1):c.470G>A (p.Arg157His)

Gene: FGFRL1 (fibroblast growth factor receptor like 1; plus strand). Cytogenetic location: 4p16.3.
Variant type: single nucleotide variant.
Coding change: c.470G>A on transcript NM_001004356.3 (MANE Select); coding-DNA position 470, G replaced by A.
Protein change: p.Arg157His; replaces arginine 157 with histidine.
Molecular consequence: missense variant.
Genome position (GRCh38, 1-based): chr4:1,023,853, G>A. VCF-style: chr4-1023853-G-A. GRCh37 (hg19) VCF-style: chr4-1017641-G-A.
Other names: c.470G>A, p.Arg157His (NM_001004358.1, NM_001370296.1, NM_021923.3); short protein forms R157H.
Identifiers: ClinVar variation 2384904 (VCV002384904.4), dbSNP rs775524754, ClinGen allele CA2802739.

ClinVar aggregate classification (germline): Uncertain significance. Review status: criteria provided, multiple submitters, no conflicts (2 of 4 stars). 2 submissions from 2 submitters: Uncertain significance (2). Last evaluated 2024-03-15.

Allele frequency attached by ClinVar (database versions not stated): gnomAD 0.00001; ExAC 0.00002; TOPMed 0.00002.

Submissions (2):

Labcorp Genetics (formerly Invitae), Labcorp
Classification: Uncertain significance. Last evaluated: 2024-03-15. Review status: criteria provided, single submitter. Criteria: Invitae Variant Classification Sherloc (09022015). Collection method: clinical testing. Allele origin: germline.
Comment: This sequence change replaces arginine, which is basic and polar, with histidine, which is basic and polar, at codon 157 of the FGFRL1 protein (p.Arg157His). The frequency data for this variant in the population databases is considered unreliable, as metrics indicate poor data quality at this position in the gnomAD database. This variant has not been reported in the literature in individuals affected with FGFRL1-related conditions. ClinVar contains an entry for this variant (Variation ID: 2384904). An algorithm developed to predict the effect of missense changes on protein structure and function (PolyPhen-2) suggests that this variant is likely to be disruptive. In summary, the available evidence is currently insufficient to determine the role of this variant in disease. Therefore, it has been classified as a Variant of Uncertain Significance.

Ambry Genetics
Classification: Uncertain significance. Last evaluated: 2021-12-03. Review status: criteria provided, single submitter. Criteria: Ambry Variant Classification Scheme 2023. Collection method: clinical testing. Allele origin: germline.